The following is an entry in ClinVar:

ClinVar aggregate classification (germline): Pathogenic (1 of 4 stars; one submission).

Conditions:
Tumor predisposition syndrome 3 (TPDS3). Also called: Glioma susceptibility 9; LONG TELOMERE SYNDROME, POT1-RELATED; POT1 Tumor Predisposition; Melanoma, cutaneous malignant, susceptibility to, 10. Identifiers: Orphanet 618, MedGen C4014476, MONDO:0014368, OMIM 615848.

Submission:

Labcorp Genetics (formerly Invitae), Labcorp
Classification: Pathogenic for Tumor predisposition syndrome 3. Last evaluated: 2022-02-18. Review status: criteria provided, single submitter. Criteria: Invitae Variant Classification Sherloc (09022015). Collection method: clinical testing. Allele origin: germline.
Comment: For these reasons, this variant has been classified as Pathogenic. This variant has not been reported in the literature in individuals affected with POT1-related conditions. This variant is a gross deletion of the genomic region encompassing exon(s) 10-14 of the POT1 gene. This deletion is out-of-frame, and is expected to create a premature termination codon and result in an absent or disrupted protein product. Loss-of-function variants in POT1 are known to be pathogenic (PMID: 32155570).

Literature cited by the submitters: PubMed 32155570.

NC_000007.14:g.(?_124840963)_(124853148_?)del

Gene: POT1 (protection of telomeres 1; minus strand). Cytogenetic location: 7q31.33.
Variant type: Deletion.
Identifiers: ClinVar variation 831183 (VCV000831183.8).